The following is an entry in ClinVar:

ClinVar aggregate classification (germline): Uncertain significance (1 of 4 stars; one submission).

Conditions:
Familial thoracic aortic aneurysm and aortic dissection (TAAD). Also called: Thoracic aortic aneurysms and dissections. Identifiers: Orphanet 91387, MedGen C4707243, MONDO:0019625.

gnomAD v4.1: 7 of 1,613,702 alleles (0.00043%); highest among the groups gnomAD compares: Admixed American, 0.0017%; no homozygotes.

Submission:

Labcorp Genetics (formerly Invitae), Labcorp
Classification: Uncertain significance for Familial thoracic aortic aneurysm and aortic dissection. Last evaluated: 2024-05-05. Review status: criteria provided, single submitter. Criteria: Invitae Variant Classification Sherloc (09022015). Collection method: clinical testing. Allele origin: germline.
Comment: This sequence change falls in intron 2 of the MAT2A gene. It does not directly change the encoded amino acid sequence of the MAT2A protein. It affects a nucleotide within the consensus splice site. This variant is present in population databases (rs774304543, gnomAD 0.005%). This variant has not been reported in the literature in individuals affected with MAT2A-related conditions. Variants that disrupt the consensus splice site are a relatively common cause of aberrant splicing (PMID: 17576681, 9536098). Algorithms developed to predict the effect of sequence changes on RNA splicing suggest that this variant may disrupt the consensus splice site. In summary, the available evidence is currently insufficient to determine the role of this variant in disease. Therefore, it has been classified as a Variant of Uncertain Significance.

Literature cited by the submitters: PubMed 17576681; PubMed 9536098.

NM_005911.6(MAT2A):c.169+3A>G

Genes: GGCX (gamma-glutamyl carboxylase; minus strand), MAT2A (methionine adenosyltransferase 2A; plus strand). Cytogenetic location: 2p11.2.
Variant type: single nucleotide variant.
Coding change: c.169+3A>G on transcript NM_005911.6 (MANE Select); 3 bases into the intron after coding-DNA position 169, A replaced by G.
Molecular consequence: intron variant.
Genome position (GRCh38, 1-based): chr2:85,541,163, A>G. VCF-style: chr2-85541163-A-G. GRCh37 (hg19) VCF-style: chr2-85768286-A-G.
Identifiers: ClinVar variation 3719988 (VCV003719988.2).
Genomic context (GRCh38, chr2:85,541,163, plus strand): 5'-AGTGATGCTGTCCTTGATGCCCACCTTCAGCAGGATCCTGATGCCAAAGTAGCTTGTGGT[A>G]GGTTCAGAATGTGCTTATCAACTGGTGGAAAGATAGCATAAAAATTATTTTTATAGAAGT-3'